The following is an entry in ClinVar:

NM_002439.5(MSH3):c.2661C>G (p.Asp887Glu)

Gene: MSH3 (mutS homolog 3; plus strand). Cytogenetic location: 5q14.1.
Variant type: single nucleotide variant.
Coding change: c.2661C>G on transcript NM_002439.5 (MANE Select); coding-DNA position 2661, C replaced by G.
Protein change: p.Asp887Glu; replaces aspartic acid 887 with glutamic acid.
Molecular consequence: missense variant.
Genome position (GRCh38, 1-based): chr5:80,813,589, C>G. VCF-style: chr5-80813589-C-G. GRCh37 (hg19) VCF-style: chr5-80109408-C-G.
Other names: short protein forms D887E.
Identifiers: ClinVar variation 4842842 (VCV004842842.1).

ClinVar aggregate classification (germline): Uncertain significance (1 of 4 stars; one submission).

Conditions:
Hereditary cancer-predisposing syndrome. Also called: Neoplastic Syndromes, Hereditary; Tumor predisposition; Hereditary Cancer Syndrome; Hereditary neoplastic syndrome. Identifiers: Orphanet 140162, MedGen C0027672, MeSH D009386, MONDO:0015356.

Submission:

Ambry Genetics
Classification: Uncertain significance for Hereditary cancer-predisposing syndrome. Last evaluated: 2025-12-29. Review status: criteria provided, single submitter. Criteria: Ambry Variant Classification Scheme 2023. Collection method: clinical testing. Allele origin: germline.
Comment: The p.D887E variant (also known as c.2661C>G), located in coding exon 20 of the MSH3 gene, results from a C to G substitution at nucleotide position 2661. The aspartic acid at codon 887 is replaced by glutamic acid, an amino acid with highly similar properties. This amino acid position is conserved. In addition, this alteration is predicted to be tolerated by in silico analysis. Based on the available evidence, the clinical significance of this variant remains unclear.